The following is an entry in ClinVar:

ClinVar aggregate classification (germline): Benign/Likely benign. Review status: criteria provided, multiple submitters, no conflicts (2 of 4 stars). 7 submissions from 7 submitters: Benign (1); Likely benign (3). 3 of the submissions do not count toward it. Last evaluated 2026-08-01.

Conditions:
ERBB4-related disorder. Also called: ERBB4-related condition.

Allele frequency attached by ClinVar (database versions not stated): 1000 Genomes Project 30x 0.00172; 1000 Genomes Project 0.00200; ESP Exome Variant Server 0.00361; TOPMed 0.00397; gnomAD 0.00401 and 0.00403; ExAC 0.00425; gnomAD exomes 0.00427 and 0.00444.
gnomAD v4.1: 7,117 of 1,612,372 alleles (0.44%); highest among the groups gnomAD compares: Middle Eastern, 1.4%; 28 homozygotes.

Submissions (9):

CeGaT Center for Human Genetics Tuebingen
Classification: Likely benign. Last evaluated: 2026-08-01. Review status: criteria provided, single submitter. Criteria: CeGaT Center For Human Genetics Tuebingen Variant Classification Criteria Version 2. Collection method: clinical testing. Allele origin: germline. Affected: yes. Observed: 8 variant alleles.
Comment: ERBB4: BP4, BP7, BS2

Labcorp Genetics (formerly Invitae), Labcorp
Classification: Likely benign. Last evaluated: 2026-02-01. Review status: criteria provided, single submitter. Criteria: Invitae Variant Classification Sherloc (09022015). Collection method: clinical testing. Allele origin: germline.

Mayo Clinic Laboratories, Mayo Clinic
Classification: Benign. Last evaluated: 2018-02-07. Review status: criteria provided, single submitter. Criteria: ACMG Guidelines, 2015. Collection method: clinical testing. Allele origin: germline. Observed: 11 variant alleles.

Breakthrough Genomics
Classification: Likely benign. Review status: criteria provided, single submitter. Criteria: ACMG Guidelines, 2015. Collection method: not provided. Allele origin: germline. Inheritance: Autosomal dominant inheritance. Affected: yes.

PreventionGenetics, part of Exact Sciences
Classification: Benign for ERBB4-related condition. Last evaluated: 2022-12-22. Review status: no assertion criteria provided. Collection method: clinical testing. Allele origin: germline. Not counted in ClinVar's aggregate classification.
Comment: This variant is classified as benign based on ACMG/AMP sequence variant interpretation guidelines (Richards et al. 2015 PMID: 25741868, with internal and published modifications).

Clinical Genetics DNA and cytogenetics Diagnostics Lab, Erasmus MC, Erasmus Medical Center
Classification: Likely benign. Review status: no assertion criteria provided. Collection method: clinical testing. Allele origin: germline. Affected: yes. Study: VKGL Data-share Consensus. Not counted in ClinVar's aggregate classification.

Dr. Peter K. Rogan Lab, Western University
No classification provided (evidence only). Condition: Familial cancer of breast. Review status: no classification provided. Collection method: in vitro. Allele origin: not applicable. Functional consequence: retained intron. Not counted in ClinVar's aggregate classification.

Dr. Peter K. Rogan Lab, Western University
No classification provided (evidence only). Condition: Familial cancer of breast. Review status: no classification provided. Collection method: in vitro. Allele origin: not applicable. Functional consequence: retained intron. Not counted in ClinVar's aggregate classification.

Genome Diagnostics Laboratory, Amsterdam University Medical Center
Classification: Benign. Review status: no assertion criteria provided. Collection method: clinical testing. Allele origin: germline. Affected: yes. Study: VKGL Data-share Consensus. Not counted in ClinVar's aggregate classification.

NM_005235.3(ERBB4):c.882A>G (p.Pro294=)

Gene: ERBB4 (erb-b2 receptor tyrosine kinase 4; minus strand). Cytogenetic location: 2q34.
Variant type: single nucleotide variant.
Coding change: c.882A>G on transcript NM_005235.3 (MANE Select); coding-DNA position 882, A replaced by G.
Protein change: p.Pro294=; no amino-acid change (proline 294 retained).
Molecular consequence: synonymous variant.
Genome position (GRCh38, 1-based): chr2:211,722,394, T>C on the plus strand (A>G on the coding strand, the complement: ERBB4 is on the minus strand). VCF-style: chr2-211722394-T-C. GRCh37 (hg19) VCF-style: chr2-212587119-T-C.
Other names: p.Pro294=; c.882A>G, p.Pro294= (NM_001042599.2).
Identifiers: ClinVar variation 710418 (VCV000710418.39), dbSNP rs77309171, ClinGen allele CA2088318.